The following is an entry in ClinVar:

NM_001110556.2(FLNA):c.2167G>C (p.Val723Leu)

Gene: FLNA (filamin A; minus strand). Cytogenetic location: Xq28.
Variant type: single nucleotide variant.
Coding change: c.2167G>C on transcript NM_001110556.2 (MANE Select); coding-DNA position 2167, G replaced by C.
Protein change: p.Val723Leu; replaces valine 723 with leucine.
Molecular consequence: missense variant.
Genome position (GRCh38, 1-based): chrX:154,364,135, C>G on the plus strand (G>C on the coding strand, the complement: FLNA is on the minus strand). VCF-style: chrX-154364135-C-G. GRCh37 (hg19) VCF-style: chrX-153592503-C-G.
Other names: c.2167G>C, p.Val723Leu (NM_001456.4); short protein forms V723L.
Identifiers: ClinVar variation 1410962 (VCV001410962.6), dbSNP rs2148115805, ClinGen allele CA415238134.

ClinVar aggregate classification (germline): Uncertain significance (1 of 4 stars; one submission).

Conditions:
Heterotopia, periventricular, X-linked dominant (PVNH1). Also called: PERIVENTRICULAR NODULAR HETEROTOPIA 4; HETEROTOPIA, PERIVENTRICULAR, 1; PERIVENTRICULAR NODULAR HETEROTOPIA 1; X-linked periventricular heterotopia. Identifiers: Orphanet 2149, Orphanet 82004, MedGen C1848213, MONDO:0010233, OMIM 300049.
Melnick-Needles syndrome (MNS). Also called: MELNICK-NEEDLES OSTEODYSPLASTY; OSTEODYSPLASTY OF MELNICK AND NEEDLES; Melnick-Needles Syndrome (FLNA-MNS). Identifiers: Orphanet 2484, MedGen C0025237, MONDO:0010650, OMIM 309350.
Frontometaphyseal dysplasia (FMD1). Identifiers: Orphanet 1826, MedGen C0265293, MONDO:0015942.
Oto-palato-digital syndrome, type II (OPD2). Also called: FACIOPALATOOSSEOUS SYNDROME; OPD II SYNDROME; Otopalatodigital Syndrome, Type II; Otopalatodigital Syndrome Type 2 (FLNA-OPD2). Identifiers: Orphanet 669, Orphanet 90652, MedGen C1844696, MONDO:0010571, OMIM 304120.

Submission:

Labcorp Genetics (formerly Invitae), Labcorp
Classification: Uncertain significance for Oto-palato-digital syndrome, type II; Heterotopia, periventricular, X-linked dominant; Frontometaphyseal dysplasia; Melnick-Needles syndrome. Last evaluated: 2021-11-19. Review status: criteria provided, single submitter. Criteria: Invitae Variant Classification Sherloc (09022015). Collection method: clinical testing. Allele origin: germline.
Comment: Advanced modeling of protein sequence and biophysical properties (such as structural, functional, and spatial information, amino acid conservation, physicochemical variation, residue mobility, and thermodynamic stability) performed at Invitae indicates that this missense variant is not expected to disrupt FLNA protein function. This sequence change replaces valine, which is neutral and non-polar, with leucine, which is neutral and non-polar, at codon 723 of the FLNA protein (p.Val723Leu). This variant is not present in population databases (gnomAD no frequency). This variant has not been reported in the literature in individuals affected with FLNA-related conditions. In summary, the available evidence is currently insufficient to determine the role of this variant in disease. Therefore, it has been classified as a Variant of Uncertain Significance.